The following is an entry in ClinVar:

NM_001040108.2(MLH3):c.2099G>T (p.Gly700Val)

Gene: MLH3 (mutL homolog 3; minus strand). Cytogenetic location: 14q24.3.
Variant type: single nucleotide variant.
Coding change: c.2099G>T on transcript NM_001040108.2 (MANE Select); coding-DNA position 2099, G replaced by T.
Protein change: p.Gly700Val; replaces glycine 700 with valine.
Molecular consequence: missense variant.
Genome position (GRCh38, 1-based): chr14:75,047,557, C>A on the plus strand (G>T on the coding strand, the complement: MLH3 is on the minus strand). VCF-style: chr14-75047557-C-A. GRCh37 (hg19) VCF-style: chr14-75514260-C-A.
Other names: c.2099G>T, p.Gly700Val (NM_014381.3); short protein forms G700V.
Identifiers: ClinVar variation 2561675 (VCV002561675.2), dbSNP rs2139569988, ClinGen allele CA390441800.

ClinVar aggregate classification (germline): Uncertain significance (1 of 4 stars; one submission).

gnomAD v4.1: 1 of 1,613,972 alleles (0.000062%); highest among the groups gnomAD compares: Non-Finnish European, 0.000085%; no homozygotes.

Submission:

Ambry Genetics
Classification: Uncertain significance. Last evaluated: 2023-05-15. Review status: criteria provided, single submitter. Criteria: Ambry Variant Classification Scheme 2023. Collection method: clinical testing. Allele origin: germline.
Comment: The p.G700V variant (also known as c.2099G>T), located in coding exon 1 of the MLH3 gene, results from a G to T substitution at nucleotide position 2099. The glycine at codon 700 is replaced by valine, an amino acid with dissimilar properties. This amino acid position is conserved. In addition, this alteration is predicted to be tolerated by in silico analysis. Since supporting evidence is limited at this time, the clinical significance of this alteration remains unclear.